The following is an entry in ClinVar:

NM_031935.3(HMCN1):c.6309G>A (p.Pro2103=)

Gene: HMCN1 (hemicentin 1; plus strand). Cytogenetic location: 1q31.1.
Variant type: single nucleotide variant.
Coding change: c.6309G>A on transcript NM_031935.3 (MANE Select); coding-DNA position 6309, G replaced by A.
Protein change: p.Pro2103=; no amino-acid change (proline 2103 retained).
Molecular consequence: synonymous variant.
Genome position (GRCh38, 1-based): chr1:186,045,692, G>A. VCF-style: chr1-186045692-G-A. GRCh37 (hg19) VCF-style: chr1-186014824-G-A.
Identifiers: ClinVar variation 876605 (VCV000876605.32), dbSNP rs367790421, ClinGen allele CA1292541.

ClinVar aggregate classification (germline): Conflicting classifications of pathogenicity. Review status: criteria provided, conflicting classifications (1 of 4 stars). 3 submissions from 3 submitters: Uncertain significance (1); Likely benign (2). Last evaluated 2025-08-11.

Conditions:
Age related macular degeneration 1 (ARMD1). Also called: MACULOPATHY, AGE-RELATED, 1. Identifiers: MedGen C1864205, MONDO:0011285, OMIM 603075.

gnomAD v4.1: 48 of 1,612,614 alleles (0.003%); highest among the groups gnomAD compares: South Asian, 0.041%; 2 homozygotes.

Submissions (3):

Labcorp Genetics (formerly Invitae), Labcorp
Classification: Likely benign. Last evaluated: 2025-08-11. Review status: criteria provided, single submitter. Criteria: Invitae Variant Classification Sherloc (09022015). Collection method: clinical testing. Allele origin: germline.

CeGaT Center for Human Genetics Tuebingen
Classification: Likely benign. Last evaluated: 2023-03-01. Review status: criteria provided, single submitter. Criteria: CeGaT Center For Human Genetics Tuebingen Variant Classification Criteria Version 2. Collection method: clinical testing. Allele origin: germline. Affected: yes. Observed: 1 variant allele.
Comment: HMCN1: BP4, BP7

Illumina Laboratory Services, Illumina
Classification: Uncertain significance for Age related macular degeneration 1. Last evaluated: 2018-01-12. Review status: criteria provided, single submitter. Criteria: ICSL Variant Classification Criteria 13 December 2019. Collection method: clinical testing. Allele origin: germline.